The following is an entry in ClinVar:

NM_004304.5(ALK):c.602A>T (p.Glu201Val)

Gene: ALK (ALK receptor tyrosine kinase; minus strand). Cytogenetic location: 2p23.1.
Variant type: single nucleotide variant.
Coding change: c.602A>T on transcript NM_004304.5 (MANE Select); coding-DNA position 602, A replaced by T.
Protein change: p.Glu201Val; replaces glutamic acid 201 with valine.
Molecular consequence: missense variant.
Genome position (GRCh38, 1-based): chr2:29,920,058, T>A on the plus strand (A>T on the coding strand, the complement: ALK is on the minus strand). VCF-style: chr2-29920058-T-A. GRCh37 (hg19) VCF-style: chr2-30142924-T-A.
Other names: short protein forms E201V.
Identifiers: ClinVar variation 1751165 (VCV001751165.2), dbSNP rs2148442900, ClinGen allele CA346589708.

ClinVar aggregate classification (germline): Uncertain significance (1 of 4 stars; one submission).

Conditions:
Hereditary cancer-predisposing syndrome. Also called: Hereditary Cancer Syndrome; Hereditary neoplastic syndrome; Neoplastic Syndromes, Hereditary; Tumor predisposition. Identifiers: Orphanet 140162, MedGen C0027672, MeSH D009386, MONDO:0015356.

Submission:

Ambry Genetics
Classification: Uncertain significance for Hereditary cancer-predisposing syndrome. Last evaluated: 2022-10-12. Review status: criteria provided, single submitter. Criteria: Ambry Variant Classification Scheme 2023. Collection method: clinical testing. Allele origin: germline.
Comment: The p.E201V variant (also known as c.602A>T), located in coding exon 1 of the ALK gene, results from an A to T substitution at nucleotide position 602. The glutamic acid at codon 201 is replaced by valine, an amino acid with dissimilar properties. This amino acid position is conserved. In addition, this alteration is predicted to be deleterious by in silico analysis. Since supporting evidence is limited at this time, the clinical significance of this alteration remains unclear.